The following is an entry in ClinVar:

NM_032119.4(ADGRV1):c.5346A>G (p.Gly1782=)

Gene: ADGRV1 (adhesion G protein-coupled receptor V1; plus strand). Cytogenetic location: 5q14.3.
Variant type: single nucleotide variant.
Coding change: c.5346A>G on transcript NM_032119.4 (MANE Select); coding-DNA position 5346, A replaced by G.
Protein change: p.Gly1782=; no amino-acid change (glycine 1782 retained).
Molecular consequence: synonymous variant. On other transcripts: non-coding transcript variant (1).
Genome position (GRCh38, 1-based): chr5:90,676,112, A>G. VCF-style: chr5-90676112-A-G. GRCh37 (hg19) VCF-style: chr5-89971929-A-G.
Other names: p.G1782G:GGA>GGG; p.Gly1782=.
Identifiers: ClinVar variation 46335 (VCV000046335.29), dbSNP rs10067298, ClinGen allele CA138143.

ClinVar aggregate classification (germline): Benign. Review status: criteria provided, multiple submitters, no conflicts (2 of 4 stars). 8 submissions from 8 submitters: Benign (8). Last evaluated 2026-02-01.

Conditions:
Usher syndrome type 2C. Also called: Usher syndrome, type 2B; USHER SYNDROME, TYPE IIC. Identifiers: Orphanet 231178, Orphanet 886, MedGen C2931213, MONDO:0011558, OMIM 605472.

Allele frequency attached by ClinVar (database versions not stated): 1000 Genomes Project 30x 0.02577; gnomAD exomes 0.00191 and 0.00492; ExAC 0.00809; gnomAD 0.02160 and 0.02309; ESP Exome Variant Server 0.02280; TOPMed 0.02384; 1000 Genomes Project 0.02456.
gnomAD v4.1: 6,183 of 1,603,616 alleles (0.39%); highest among the groups gnomAD compares: African/African-American, 7.3%; 198 homozygotes.

Submissions (8):

Labcorp Genetics (formerly Invitae), Labcorp
Classification: Benign. Last evaluated: 2026-02-01. Review status: criteria provided, single submitter. Criteria: Invitae Variant Classification Sherloc (09022015). Collection method: clinical testing. Allele origin: germline.

ARUP Laboratories, Molecular Genetics and Genomics, ARUP Laboratories
Classification: Benign. Last evaluated: 2023-10-16. Review status: criteria provided, single submitter. Criteria: ARUP Molecular Germline Variant Investigation Process 2024. Collection method: clinical testing. Allele origin: germline.

Mayo Clinic Laboratories, Mayo Clinic
Classification: Benign. Last evaluated: 2020-10-05. Review status: criteria provided, single submitter. Criteria: ACMG Guidelines, 2015. Collection method: clinical testing. Allele origin: germline. Observed: 4 variant alleles.

Illumina Laboratory Services, Illumina
Classification: Benign for Usher syndrome type 2C. Last evaluated: 2018-01-12. Review status: criteria provided, single submitter. Criteria: ICSL Variant Classification Criteria 13 December 2019. Collection method: clinical testing. Allele origin: germline.
Comment: This variant was observed in the ICSL laboratory as part of a predisposition screen in an ostensibly healthy population. It had not been previously curated by ICSL or reported in the Human Gene Mutation Database (HGMD: prior to June 1st, 2018), and was therefore a candidate for classification through an automated scoring system. Utilizing variant allele frequency, disease prevalence and penetrance estimates, and inheritance mode, an automated score was calculated to assess if this variant is too frequent to cause the disease. Based on the score and internal cut-off values, a variant classified as benign is not then subjected to further curation. The score for this variant resulted in a classification of benign for this disease.

Athena Diagnostics
Classification: Benign. Last evaluated: 2017-12-14. Review status: criteria provided, single submitter. Criteria: Athena Diagnostics Criteria. Collection method: clinical testing. Allele origin: germline.

GeneDx
Classification: Benign. Last evaluated: 2013-06-06. Review status: criteria provided, single submitter. Criteria: GeneDx Variant Classification (06012015). Collection method: clinical testing. Allele origin: germline. Affected: yes.
Comment: This variant is considered likely benign or benign based on one or more of the following criteria: it is a conservative change, it occurs at a poorly conserved position in the protein, it is predicted to be benign by multiple in silico algorithms, and/or has population frequency not consistent with disease.

Laboratory for Molecular Medicine, Mass General Brigham Personalized Medicine
Classification: Benign. Last evaluated: 2012-05-07. Review status: criteria provided, single submitter. Criteria: LMM Criteria. Collection method: clinical testing. Allele origin: germline. Observed: 29 variant alleles.
Comment: "Gly1782Gly in Exon 25 of GPR98: This variant is not expected to have clinical s ignificance because it does not alter an amino acid residue, is not located with in the splice consensus sequence, and has been identified in 7.2% (208/2886) of African American chromosomes from a broad population by the NHLBI Exome Sequenci ng Project (dbSNP rs10067298)."

PreventionGenetics, part of Exact Sciences
Classification: Benign. Review status: criteria provided, single submitter. Criteria: ACMG Guidelines, 2015. Collection method: clinical testing. Allele origin: germline.